The following is an entry in ClinVar:

NM_024876.4(COQ8B):c.1056G>A (p.Thr352=)

Gene: COQ8B (coenzyme Q8B; minus strand). Cytogenetic location: 19q13.2.
Variant type: single nucleotide variant.
Coding change: c.1056G>A on transcript NM_024876.4 (MANE Select); coding-DNA position 1056, G replaced by A.
Protein change: p.Thr352=; no amino-acid change (threonine 352 retained).
Molecular consequence: synonymous variant.
Genome position (GRCh38, 1-based): chr19:40,700,154, C>T on the plus strand (G>A on the coding strand, the complement: COQ8B is on the minus strand). VCF-style: chr19-40700154-C-T. GRCh37 (hg19) VCF-style: chr19-41206059-C-T.
Other names: c.933G>A, p.Thr311= (NM_001142555.3).
Identifiers: ClinVar variation 4084878 (VCV004084878.9).

ClinVar aggregate classification (germline): Likely benign. Review status: criteria provided, multiple submitters, no conflicts (2 of 4 stars). 2 submissions from 2 submitters: Likely benign (2). Last evaluated 2025-10-31.

gnomAD v4.1: 2 of 1,614,234 alleles (0.00012%); highest among the groups gnomAD compares: Non-Finnish European, 0.00017%; no homozygotes.

Submissions (2):

Labcorp Genetics (formerly Invitae), Labcorp
Classification: Likely benign. Last evaluated: 2025-10-31. Review status: criteria provided, single submitter. Criteria: Invitae Variant Classification Sherloc (09022015). Collection method: clinical testing. Allele origin: germline.

CeGaT Center for Human Genetics Tuebingen
Classification: Likely benign. Last evaluated: 2025-06-01. Review status: criteria provided, single submitter. Criteria: CeGaT Center For Human Genetics Tuebingen Variant Classification Criteria Version 2. Collection method: clinical testing. Allele origin: germline. Affected: yes. Observed: 1 variant allele.
Comment: COQ8B: BP4, BP7